The following is an entry in ClinVar:

ClinVar aggregate classification (germline): Likely benign (0 of 4 stars; one submission).

Conditions:
LRP1B-related disorder. Also called: LRP1B-related condition.

Allele frequency attached by ClinVar (database versions not stated): ExAC 0.00003; gnomAD 0.00004; gnomAD exomes 0.00005; TOPMed 0.00007.
gnomAD v4.1: 79 of 1,599,800 alleles (0.0049%); highest among the groups gnomAD compares: Admixed American, 0.012%; no homozygotes.

Submission:

PreventionGenetics, part of Exact Sciences
Classification: Likely benign for LRP1B-related condition. Last evaluated: 2019-09-23. Review status: no assertion criteria provided. Collection method: clinical testing. Allele origin: germline.
Comment: This variant is classified as likely benign based on ACMG/AMP sequence variant interpretation guidelines (Richards et al. 2015 PMID: 25741868, with internal and published modifications).

NM_018557.3(LRP1B):c.1409-4G>A

Gene: LRP1B (LDL receptor related protein 1B; minus strand). Cytogenetic location: 2q22.1.
Variant type: single nucleotide variant.
Coding change: c.1409-4G>A on transcript NM_018557.3 (MANE Select); 4 bases into the intron before coding-DNA position 1409, G replaced by A.
Molecular consequence: intron variant.
Genome position (GRCh38, 1-based): chr2:141,055,263, C>T on the plus strand (G>A on the coding strand, the complement: LRP1B is on the minus strand). VCF-style: chr2-141055263-C-T. GRCh37 (hg19) VCF-style: chr2-141812832-C-T.
Identifiers: ClinVar variation 3038994 (VCV003038994.2), dbSNP rs749227139, ClinGen allele CA1896009.